The following is an entry in ClinVar:

NM_000539.3(RHO):c.1039C>G (p.Pro347Ala)

Gene: RHO (rhodopsin; plus strand). Cytogenetic location: 3q22.1.
Variant type: single nucleotide variant.
Coding change: c.1039C>G on transcript NM_000539.3 (MANE Select); coding-DNA position 1039, C replaced by G.
Protein change: p.Pro347Ala; replaces proline 347 with alanine.
Molecular consequence: missense variant.
Genome position (GRCh38, 1-based): chr3:129,533,710, C>G. VCF-style: chr3-129533710-C-G. GRCh37 (hg19) VCF-style: chr3-129252553-C-G.
Other names: short protein forms P347A.
Identifiers: ClinVar variation 2203439 (VCV002203439.5), dbSNP rs29001637, ClinGen allele CA354471279.

ClinVar aggregate classification (germline): Pathogenic. Review status: criteria provided, multiple submitters, no conflicts (2 of 4 stars). 2 submissions from 2 submitters: Pathogenic (2). Last evaluated 2025-09-14.

Conditions:
RHO-related disorder. Also called: RHO-related condition.

Submissions (2):

Labcorp Genetics (formerly Invitae), Labcorp
Classification: Pathogenic. Last evaluated: 2025-09-14. Review status: criteria provided, single submitter. Criteria: Invitae Variant Classification Sherloc (09022015). Collection method: clinical testing. Allele origin: germline.
Comment: This sequence change replaces proline, which is neutral and non-polar, with alanine, which is neutral and non-polar, at codon 347 of the RHO protein (p.Pro347Ala). This variant is not present in population databases (gnomAD no frequency). This missense change has been observed in individuals with autosomal dominant retinitis pigmentosa (PMID: 11139241, 28559085). It has also been observed to segregate with disease in related individuals. ClinVar contains an entry for this variant (Variation ID: 2203439). Invitae Evidence Modeling of protein sequence and biophysical properties (such as structural, functional, and spatial information, amino acid conservation, physicochemical variation, residue mobility, and thermodynamic stability) has been performed for this missense variant. However, the output from this modeling did not meet the statistical confidence thresholds required to predict the impact of this variant on RHO protein function. This variant disrupts the p.Pro347 amino acid residue in RHO. Other variant(s) that disrupt this residue have been determined to be pathogenic (PMID: 2215617, 25221422). This suggests that this residue is clinically significant, and that variants that disrupt this residue are likely to be disease-causing. For these reasons, this variant has been classified as Pathogenic.

Blueprint Genetics
Classification: Pathogenic for RHO-related disorders. Last evaluated: 2023-08-04. Review status: criteria provided, single submitter. Criteria: ACMG Guidelines, 2015. Collection method: clinical testing. Allele origin: germline. Affected: yes. Observed: 5 variant alleles.

Literature cited by the submitters: PubMed 11139241 (cited by Labcorp Genetics (formerly Invitae), Labcorp); PubMed 28559085 (cited by Labcorp Genetics (formerly Invitae), Labcorp); PubMed 2215617 (cited by Labcorp Genetics (formerly Invitae), Labcorp); PubMed 25221422 (cited by Labcorp Genetics (formerly Invitae), Labcorp).